The following is an entry in ClinVar:

NM_001006658.3(CR2):c.592_595del (p.Ser199fs)

Gene: CR2 (complement C3d receptor 2; plus strand). Cytogenetic location: 1q32.2.
Variant type: Deletion.
Coding change: c.592_595del on transcript NM_001006658.3 (MANE Select); coding-DNA positions 592 to 595, 4 bases deleted (TTGT; older notation c.592_595delTTGT).
Protein change: p.Ser199fs; shifts the reading frame from serine 199.
Molecular consequence: frameshift variant.
Genome position (GRCh38, 1-based): chr1:207,468,673-207,468,676, TTGT deleted; deleting any 4 consecutive bases within chr1:207,468,670-207,468,676 gives the same sequence; the c. name uses the placement nearest the transcript's 3' end. VCF-style (leftmost placement, unchanged base first): chr1-207468669-CTGTT-C. GRCh37 (hg19) VCF-style: chr1-207642014-CTGTT-C.
Other names: c.592_595del, p.Ser199fs (NM_001877.5); short protein forms S199fs.
Identifiers: ClinVar variation 1017238 (VCV001017238.7), dbSNP rs868255776, ClinGen allele CA36647157.

ClinVar aggregate classification (germline): Pathogenic/Likely pathogenic. Review status: criteria provided, multiple submitters, no conflicts (2 of 4 stars). 2 submissions from 2 submitters: Pathogenic (1); Likely pathogenic (1). Last evaluated 2022-09-19.

Conditions:
Immunodeficiency, common variable, 7. Identifiers: Orphanet 1572, Orphanet 696894, MedGen C3542922, MONDO:0013862, OMIM 614699.
CR2-related disorder. Also called: CR2-related disorders; CR2-related condition.

Submissions (2):

Labcorp Genetics (formerly Invitae), Labcorp
Classification: Pathogenic for Immunodeficiency, common variable, 7. Last evaluated: 2022-09-19. Review status: criteria provided, single submitter. Criteria: Invitae Variant Classification Sherloc (09022015). Collection method: clinical testing. Allele origin: germline.
Comment: For these reasons, this variant has been classified as Pathogenic. ClinVar contains an entry for this variant (Variation ID: 1017238). This variant has not been reported in the literature in individuals affected with CR2-related conditions. This variant is not present in population databases (gnomAD no frequency). This sequence change creates a premature translational stop signal (p.Ser199Argfs*19) in the CR2 gene. It is expected to result in an absent or disrupted protein product. Loss-of-function variants in CR2 are known to be pathogenic (PMID: 26325596, 28499783).

Blueprint Genetics
Classification: Likely pathogenic for CR2-related disorders. Last evaluated: 2019-06-04. Review status: criteria provided, single submitter. Criteria: ACMG Guidelines, 2015. Collection method: clinical testing. Allele origin: germline. Affected: yes. Observed: 1 variant allele.

Literature cited by the submitters: PubMed 26325596 (cited by Labcorp Genetics (formerly Invitae), Labcorp); PubMed 28499783 (cited by Labcorp Genetics (formerly Invitae), Labcorp).